The following is an entry in ClinVar:

NM_000336.3(SCNN1B):c.1058G>T (p.Arg353Leu)

Gene: SCNN1B (sodium channel epithelial 1 subunit beta; plus strand). Cytogenetic location: 16p12.2.
Variant type: single nucleotide variant.
Coding change: c.1058G>T on transcript NM_000336.3 (MANE Select); coding-DNA position 1058, G replaced by T.
Protein change: p.Arg353Leu; replaces arginine 353 with leucine.
Molecular consequence: missense variant.
Genome position (GRCh38, 1-based): chr16:23,371,789, G>T. VCF-style: chr16-23371789-G-T. GRCh37 (hg19) VCF-style: chr16-23383110-G-T.
Other names: short protein forms R353L.
Identifiers: ClinVar variation 1959591 (VCV001959591.5), dbSNP rs755499367, ClinGen allele CA7960349.

ClinVar aggregate classification (germline): Uncertain significance (1 of 4 stars; one submission).

gnomAD v4.1: 1 of 1,614,108 alleles (0.000062%); highest among the groups gnomAD compares: Non-Finnish European, 0.000085%; no homozygotes.

Submission:

Labcorp Genetics (formerly Invitae), Labcorp
Classification: Uncertain significance. Last evaluated: 2022-07-09. Review status: criteria provided, single submitter. Criteria: Invitae Variant Classification Sherloc (09022015). Collection method: clinical testing. Allele origin: germline.
Comment: In summary, the available evidence is currently insufficient to determine the role of this variant in disease. Therefore, it has been classified as a Variant of Uncertain Significance. Algorithms developed to predict the effect of missense changes on protein structure and function are either unavailable or do not agree on the potential impact of this missense change (SIFT: "Tolerated"; PolyPhen-2: "Probably Damaging"; Align-GVGD: "Class C0"). This variant has not been reported in the literature in individuals affected with SCNN1B-related conditions. This variant is present in population databases (rs755499367, gnomAD 0.0009%). This sequence change replaces arginine, which is basic and polar, with leucine, which is neutral and non-polar, at codon 353 of the SCNN1B protein (p.Arg353Leu).